The following is an entry in ClinVar:

ClinVar aggregate classification (germline): Uncertain significance (1 of 4 stars; one submission).

Conditions:
Cardiovascular phenotype. Identifiers: MedGen CN230736.

Allele frequency attached by ClinVar (database versions not stated): gnomAD exomes 0.00001.

Submission:

Ambry Genetics
Classification: Uncertain significance for Cardiovascular phenotype. Last evaluated: 2019-10-01. Review status: criteria provided, single submitter. Criteria: Ambry Variant Classification Scheme 2023. Collection method: clinical testing. Allele origin: germline.
Comment: The p.P5793R variant (also known as c.17378C>G), located in coding exon 69 of the TTN gene, results from a C to G substitution at nucleotide position 17378. The proline at codon 5793 is replaced by arginine, an amino acid with dissimilar properties. This amino acid position is highly conserved in available vertebrate species. In addition, the in silico prediction for this alteration is inconclusive. Since supporting evidence is limited at this time, the clinical significance of this alteration remains unclear.

NM_001267550.2(TTN):c.44573C>G (p.Pro14858Arg)

Gene: TTN (titin; minus strand). Cytogenetic location: 2q31.2.
Variant type: single nucleotide variant.
Coding change: c.44573C>G on transcript NM_001267550.2 (MANE Select); coding-DNA position 44573, C replaced by G.
Protein change: p.Pro14858Arg; replaces proline 14858 with arginine.
Molecular consequence: missense variant.
Genome position (GRCh38, 1-based): chr2:178,624,707, G>C on the plus strand (C>G on the coding strand, the complement: TTN is on the minus strand). VCF-style: chr2-178624707-G-C. GRCh37 (hg19) VCF-style: chr2-179489434-G-C.
Other names: c.39650C>G, p.Pro13217Arg (NM_001256850.1); c.17378C>G, p.Pro5793Arg (NM_003319.4); c.36869C>G, p.Pro12290Arg (NM_133378.4); c.17753C>G, p.Pro5918Arg (NM_133432.3); c.17954C>G, p.Pro5985Arg (NM_133437.4); short protein forms P12290R, P14858R, P5918R, P13217R, P5793R, P5985R.
Identifiers: ClinVar variation 1779091 (VCV001779091.2), dbSNP rs2471170239, ClinGen allele CA349641185.